The following is an entry in ClinVar:

NM_002336.3(LRP6):c.2438A>G (p.Asn813Ser)

Gene: LRP6 (LDL receptor related protein 6; minus strand). Cytogenetic location: 12p13.2.
Variant type: single nucleotide variant.
Coding change: c.2438A>G on transcript NM_002336.3 (MANE Select); coding-DNA position 2438, A replaced by G.
Protein change: p.Asn813Ser; replaces asparagine 813 with serine.
Molecular consequence: missense variant. On other transcripts: non-coding transcript variant (1).
Genome position (GRCh38, 1-based): chr12:12,159,806, T>C on the plus strand (A>G on the coding strand, the complement: LRP6 is on the minus strand). VCF-style: chr12-12159806-T-C. GRCh37 (hg19) VCF-style: chr12-12312740-T-C.
Other names: c.2438A>G, p.Asn813Ser (NM_001414244.1, NM_001414245.1, NM_001414246.1 and 4 more transcripts); c.2240A>G, p.Asn747Ser (NM_001414247.1); c.1985A>G, p.Asn662Ser (NM_001414252.1, NM_001414253.1, NM_001414254.1); c.1931A>G, p.Asn644Ser (NM_001414255.1); short protein forms N644S, N662S, N747S, N813S.
Identifiers: ClinVar variation 3617285 (VCV003617285.2).

ClinVar aggregate classification (germline): Uncertain significance (1 of 4 stars; one submission).

gnomAD v4.1: 5 of 1,614,020 alleles (0.00031%); highest among the groups gnomAD compares: African/African-American, 0.0013%; no homozygotes.

Submission:

Labcorp Genetics (formerly Invitae), Labcorp
Classification: Uncertain significance. Last evaluated: 2024-06-04. Review status: criteria provided, single submitter. Criteria: Invitae Variant Classification Sherloc (09022015). Collection method: clinical testing. Allele origin: germline.
Comment: This sequence change replaces asparagine, which is neutral and polar, with serine, which is neutral and polar, at codon 813 of the LRP6 protein (p.Asn813Ser). This variant is present in population databases (no rsID available, gnomAD 0.007%). This variant has not been reported in the literature in individuals affected with LRP6-related conditions. Advanced modeling of protein sequence and biophysical properties (such as structural, functional, and spatial information, amino acid conservation, physicochemical variation, residue mobility, and thermodynamic stability) performed at Invitae indicates that this missense variant is not expected to disrupt LRP6 protein function with a negative predictive value of 80%. In summary, the available evidence is currently insufficient to determine the role of this variant in disease. Therefore, it has been classified as a Variant of Uncertain Significance.